The following is an entry in ClinVar:

ClinVar aggregate classification (germline): Pathogenic (1 of 4 stars; one submission).

Submission:

Labcorp Genetics (formerly Invitae), Labcorp
Classification: Pathogenic. Last evaluated: 2022-07-05. Review status: criteria provided, single submitter. Criteria: Invitae Variant Classification Sherloc (09022015). Collection method: clinical testing. Allele origin: germline.
Comment: This sequence change creates a premature translational stop signal (p.Asn319Lysfs*7) in the PLCZ1 gene. It is expected to result in an absent or disrupted protein product. Loss-of-function variants in PLCZ1 are known to be pathogenic (PMID: 32048714). This variant is not present in population databases (gnomAD no frequency). This variant has not been reported in the literature in individuals affected with PLCZ1-related conditions. For these reasons, this variant has been classified as Pathogenic.

Literature cited by the submitters: PubMed 32048714.

NM_033123.4(PLCZ1):c.957_960del (p.Asn319fs)

Genes: PIK3C2G (phosphatidylinositol-4-phosphate 3-kinase catalytic subunit type 2 gamma; plus strand), PLCZ1 (phospholipase C zeta 1; minus strand). Cytogenetic location: 12p12.3.
Variant type: Deletion.
Coding change: c.957_960del on transcript NM_033123.4 (MANE Select); coding-DNA positions 957 to 960, 4 bases deleted (TCAA; older notation c.957_960delTCAA).
Protein change: p.Asn319fs; shifts the reading frame from asparagine 319.
Molecular consequence: frameshift variant.
Genome position (GRCh38, 1-based): chr12:18,701,558-18,701,561, TTGA deleted on the plus strand (TCAA on the coding strand, the reverse complement: PLCZ1 is on the minus strand); deleting any 4 consecutive bases within chr12:18,701,558-18,701,564 gives the same sequence; the c. name uses the placement nearest the transcript's 3' end. VCF-style (leftmost placement, unchanged base first): chr12-18701557-CTTGA-C. GRCh37 (hg19) VCF-style: chr12-18854491-CTTGA-C.
Other names: c.378_381del, p.Asn126fs (NM_001330769.1); c.645_648del, p.Asn215fs (NM_001330774.2); short protein forms N126fs, N215fs, N319fs.
Identifiers: ClinVar variation 2148203 (VCV002148203.1), dbSNP rs2498387300, ClinGen allele CA2580085221.
Genomic context (GRCh38, chr12:18,701,557, plus strand): 5'-TCACCTTCTTTTTCTTGAAAAGCATTACTCCAGGTAACTTTTTTACCCCTGTTTCCTTGT[CTTGA>C]TTGTCTCCTAAAACAGATTCCAATACTTCTGATTCTTTGAATTTATCCTCCTCCTCCTCC-3'